The following is an entry in ClinVar:

ClinVar aggregate classification (germline): Uncertain significance (1 of 4 stars; one submission).

Allele frequency attached by ClinVar (database versions not stated): gnomAD exomes below 0.00001; TOPMed below 0.00001.
gnomAD v4.1: 2 of 1,610,918 alleles (0.00012%); highest among the groups gnomAD compares: Non-Finnish European, 0.00017%; no homozygotes.

Submission:

Labcorp Genetics (formerly Invitae), Labcorp
Classification: Uncertain significance. Last evaluated: 2023-07-13. Review status: criteria provided, single submitter. Criteria: Invitae Variant Classification Sherloc (09022015). Collection method: clinical testing. Allele origin: germline.
Comment: This sequence change replaces asparagine, which is neutral and polar, with serine, which is neutral and polar, at codon 37 of the GABRA2 protein (p.Asn37Ser). This variant is not present in population databases (gnomAD no frequency). This variant has not been reported in the literature in individuals affected with GABRA2-related conditions. An algorithm developed to predict the effect of missense changes on protein structure and function (PolyPhen-2) suggests that this variant is likely to be tolerated. In summary, the available evidence is currently insufficient to determine the role of this variant in disease. Therefore, it has been classified as a Variant of Uncertain Significance.

NM_000807.4(GABRA2):c.110A>G (p.Asn37Ser)

Gene: GABRA2 (gamma-aminobutyric acid type A receptor subunit alpha2; minus strand). Cytogenetic location: 4p12.
Variant type: single nucleotide variant.
Coding change: c.110A>G on transcript NM_000807.4 (MANE Select); coding-DNA position 110, A replaced by G.
Protein change: p.Asn37Ser; replaces asparagine 37 with serine.
Molecular consequence: missense variant.
Genome position (GRCh38, 1-based): chr4:46,386,151, T>C on the plus strand (A>G on the coding strand, the complement: GABRA2 is on the minus strand). VCF-style: chr4-46386151-T-C. GRCh37 (hg19) VCF-style: chr4-46388168-T-C.
Other names: c.110A>G, p.Asn37Ser (NM_001377146.1, NM_001377147.1, NM_001377148.1 and 8 more transcripts); c.13A>G, p.Ile5Val (NM_001377152.1, NM_001377153.1, NM_001377154.1 and 1 more transcripts); short protein forms N37S, I5V.
Identifiers: ClinVar variation 2743092 (VCV002743092.3), dbSNP rs1343995813, ClinGen allele CA356803084.